The following is an entry in ClinVar:

NM_007325.5(GRIA3):c.817G>T (p.Val273Phe)

Gene: GRIA3 (glutamate ionotropic receptor AMPA type subunit 3; plus strand). Cytogenetic location: Xq25.
Variant type: single nucleotide variant.
Coding change: c.817G>T on transcript NM_007325.5 (MANE Select); coding-DNA position 817, G replaced by T.
Protein change: p.Val273Phe; replaces valine 273 with phenylalanine.
Molecular consequence: missense variant.
Genome position (GRCh38, 1-based): chrX:123,395,034, G>T. VCF-style: chrX-123395034-G-T. GRCh37 (hg19) VCF-style: chrX-122528885-G-T.
Other names: c.817G>T, p.Val273Phe (NM_000828.5); short protein forms V273F.
Identifiers: ClinVar variation 4056500 (VCV004056500.1).

ClinVar aggregate classification (germline): Uncertain significance (1 of 4 stars; one submission).

Conditions:
Syndromic X-linked intellectual disability 94 (MRXSW). Also called: MENTAL RETARDATION, X-LINKED, SYNDROMIC 29; X-linked intellectual disability due to GRIA3 anomalies. Identifiers: Orphanet 364028, MedGen C2678051, MONDO:0010402, OMIM 300699.

gnomAD v4.1: 2 of 1,196,260 alleles (0.00017%); highest among the groups gnomAD compares: Non-Finnish European, 0.00023%; no homozygotes.

Submission:

Laboratorio de Genetica e Diagnostico Molecular, Hospital Israelita Albert Einstein
Classification: Uncertain significance for Syndromic X-linked intellectual disability 94. Last evaluated: 2025-03-21. Review status: criteria provided, single submitter. Criteria: ACMG Guidelines, 2015. Collection method: clinical testing. Allele origin: germline. Affected: yes.
Comment: ACMG classification criteria: PM2 supporting, PP3 supporting